The following is an entry in ClinVar:

ClinVar aggregate classification (germline): Likely pathogenic (1 of 4 stars; one submission).

Conditions:
Mucopolysaccharidosis, MPS-II (MPS2). Also called: Hunter Syndrome; IDURONATE 2-SULFATASE DEFICIENCY; Mucopolysaccharidosis Type II; Mucopolysaccharidosis type 2; Attenuated MPS (subtype; formerly known as mild MPS II); Severe MPS II. Identifiers: Orphanet 580, Orphanet 79388, MedGen C0026705, MONDO:0010674, OMIM 309900.

Submission:

Laboratory of Diagnosis and Therapy of Lysosomal Disorders, University of Padova
Classification: Likely pathogenic for Mucopolysaccharidosis, MPS-II. Last evaluated: 2024-06-07. Review status: criteria provided, single submitter. Criteria: ACMG Guidelines, 2015. Collection method: literature only. Allele origin: germline. Affected: yes. Observed: 1 variant allele.
Comment: In vitro or in vivo functional studies supportive of a damaging effect (PS3_Moderate), Absent from controls (or at low frequency) in gnomAD database (PM2_Moderate), Patient’s phenotype or family history highly specific for the disease (PP4_Strong)

Classification method: ACMG Guidelines [PMID:25741868] with modifications

Literature cited by the submitters: PubMed 32619248.

NM_000202.8(IDS):c.104-3T>G

Gene: IDS (iduronate 2-sulfatase; minus strand). Cytogenetic location: Xq28.
Variant type: single nucleotide variant.
Coding change: c.104-3T>G on transcript NM_000202.8 (MANE Select); 3 bases into the intron before coding-DNA position 104, T replaced by G.
Molecular consequence: intron variant.
Genome position (GRCh38, 1-based): chrX:149,504,296, A>C on the plus strand (T>G on the coding strand, the complement: IDS is on the minus strand). VCF-style: chrX-149504296-A-C. GRCh37 (hg19) VCF-style: chrX-148585826-A-C.
Other names: c.-123-3T>G (NM_001166550.4); c.104-3T>G (NM_006123.5).
Identifiers: ClinVar variation 3255746 (VCV003255746.2).